The following is an entry in ClinVar:

NM_005591.4(MRE11):c.881T>G (p.Met294Arg)

Gene: MRE11 (MRE11 homolog, double strand break repair nuclease; minus strand). Cytogenetic location: 11q21.
Variant type: single nucleotide variant.
Coding change: c.881T>G on transcript NM_005591.4 (MANE Select); coding-DNA position 881, T replaced by G.
Protein change: p.Met294Arg; replaces methionine 294 with arginine.
Molecular consequence: missense variant.
Genome position (GRCh38, 1-based): chr11:94,470,607, A>C on the plus strand (T>G on the coding strand, the complement: MRE11 is on the minus strand). VCF-style: chr11-94470607-A-C. GRCh37 (hg19) VCF-style: chr11-94203773-A-C.
Other names: c.881T>G, p.Met294Arg (NM_001330347.2, NM_005590.4); short protein forms M294R.
Identifiers: ClinVar variation 1681600 (VCV001681600.5), dbSNP rs1591692940, ClinGen allele CA382374675.

ClinVar aggregate classification (germline): Uncertain significance (1 of 4 stars; one submission).

Conditions:
Ataxia-telangiectasia-like disorder (ATLD). Identifiers: MedGen C1858391, MONDO:0011457.

Submission:

Labcorp Genetics (formerly Invitae), Labcorp
Classification: Uncertain significance for Ataxia-telangiectasia-like disorder. Last evaluated: 2021-08-26. Review status: criteria provided, single submitter. Criteria: Invitae Variant Classification Sherloc (09022015). Collection method: clinical testing. Allele origin: germline.
Comment: This sequence change replaces methionine with arginine at codon 294 of the MRE11 protein (p.Met294Arg). The methionine residue is moderately conserved and there is a moderate physicochemical difference between methionine and arginine. This variant is not present in population databases (ExAC no frequency). This variant has not been reported in the literature in individuals affected with MRE11-related conditions. Algorithms developed to predict the effect of missense changes on protein structure and function are either unavailable or do not agree on the potential impact of this missense change (SIFT: "Deleterious"; PolyPhen-2: "Possibly Damaging"; Align-GVGD: "Class C0"). In summary, the available evidence is currently insufficient to determine the role of this variant in disease. Therefore, it has been classified as a Variant of Uncertain Significance.